The following is an entry in ClinVar:

ClinVar aggregate classification (germline): Benign/Likely benign. Review status: criteria provided, multiple submitters, no conflicts (2 of 4 stars). 17 submissions from 17 submitters: Benign (9); Likely benign (5). 3 of the submissions do not count toward it. Last evaluated 2026-09-01.

Conditions:
Breast and/or ovarian cancer. Identifiers: MedGen CN221562.
Hereditary cancer-predisposing syndrome. Also called: Neoplastic Syndromes, Hereditary; Tumor predisposition; Hereditary neoplastic syndrome; Hereditary Cancer Syndrome. Identifiers: Orphanet 140162, MedGen C0027672, MeSH D009386, MONDO:0015356.
Familial cancer of breast. Also called: Hereditary breast cancer; hereditary breast carcinoma; BREAST CANCER, FAMILIAL. Identifiers: Orphanet 227535, MedGen C0346153, MONDO:0016419, OMIM 114480. Disease mechanism: loss of function.
Ataxia-telangiectasia syndrome (AT). Also called: Ataxia-telangiectasia, complementation group D; AT, COMPLEMENTATION GROUP C; Ataxia telangiectasia (A-T); LOUIS-BAR SYNDROME; Cerebello-oculocutaneous telangiectasia; Immunodeficiency with ataxia telangiectasia. Identifiers: Orphanet 100, MedGen C0004135, MONDO:0008840, OMIM 208900.

Allele frequency attached by ClinVar (database versions not stated): TOPMed 0.00088; gnomAD 0.00102; ExAC 0.00112; gnomAD exomes 0.00134; 1000 Genomes Project 0.00160; 1000 Genomes Project 30x 0.00172.
gnomAD v4.1: 508 of 1,603,762 alleles (0.032%); highest among the groups gnomAD compares: East Asian, 1.1%; 3 homozygotes.

Submissions (17):

CeGaT Center for Human Genetics Tuebingen
Classification: Likely benign. Last evaluated: 2026-09-01. Review status: criteria provided, single submitter. Criteria: CeGaT Center For Human Genetics Tuebingen Variant Classification Criteria Version 2. Collection method: clinical testing. Allele origin: germline. Affected: yes. Observed: 1 variant allele.
Comment: ATM: BP4, BP7, BS1

Labcorp Genetics (formerly Invitae), Labcorp
Classification: Benign for Ataxia-telangiectasia syndrome. Last evaluated: 2026-02-04. Review status: criteria provided, single submitter. Criteria: Invitae Variant Classification Sherloc (09022015). Collection method: clinical testing. Allele origin: germline.

Center for Genomic Medicine, Rigshospitalet, Copenhagen University Hospital
Classification: Likely benign. Last evaluated: 2025-12-29. Review status: criteria provided, single submitter. Criteria: ACMG Guidelines, 2015. Collection method: clinical testing. Allele origin: germline.
Comment: Classification criteria: BP7, BP4

ARUP Laboratories, Molecular Genetics and Genomics, ARUP Laboratories
Classification: Benign. Last evaluated: 2025-04-16. Review status: criteria provided, single submitter. Criteria: ARUP Molecular Germline Variant Investigation Process 2024. Collection method: clinical testing. Allele origin: germline.

Blueprint Genetics
Classification: Likely benign. Last evaluated: 2024-11-27. Review status: criteria provided, single submitter. Criteria: ACMG Guidelines, 2015. Collection method: clinical testing. Allele origin: germline.

Myriad Genetics, Inc.
Classification: Benign for Familial cancer of breast. Last evaluated: 2024-05-07. Review status: criteria provided, single submitter. Criteria: Myriad Autosomal Dominant, Autosomal Recessive and X-Linked Classification Criteria (2023). Collection method: clinical testing. Allele origin: unknown.
Comment: This variant is considered benign. This variant is a silent/synonymous amino acid change and it is not expected to impact splicing.

CHEO Genetics Diagnostic Laboratory, Children's Hospital of Eastern Ontario
Classification: Benign for Breast and/or ovarian cancer. Last evaluated: 2022-03-01. Review status: criteria provided, single submitter. Criteria: ACMG Guidelines, 2015. Collection method: clinical testing. Allele origin: germline.

Quest Diagnostics Nichols Institute San Juan Capistrano
Classification: Benign. Last evaluated: 2020-10-27. Review status: criteria provided, single submitter. Criteria: Quest Diagnostics criteria. Collection method: clinical testing. Allele origin: unknown.

Genetic Services Laboratory, University of Chicago
Classification: Benign. Last evaluated: 2019-05-03. Review status: criteria provided, single submitter. Criteria: ACMG Guidelines, 2015. Collection method: clinical testing. Allele origin: germline. Affected: no.

Women's Health and Genetics/Laboratory Corporation of America, LabCorp
Classification: Benign. Last evaluated: 2018-08-03. Review status: criteria provided, single submitter. Criteria: LabCorp Variant Classification Summary - May 2015. Collection method: clinical testing. Allele origin: germline.
Comment: Variant summary: ATM c.2127T>C (p.Ile709Ile) alters a non-conserved nucleotide located close to a canonical splice site and therefore could affect mRNA splicing, leading to a significantly altered protein sequence. 5/5 computational tools predict no significant impact on normal splicing. However, these predictions have yet to be confirmed by functional studies. The variant allele was found at a frequency of 0.0013 in 275790 control chromosomes, predominantly at a frequency of 0.019 within the East Asian subpopulation in the gnomAD database, including 1 homozygotes. The observed variant frequency within East Asian control individuals in the gnomAD database is approximately 18.99 fold of the estimated maximal expected allele frequency for a pathogenic variant in ATM causing Breast Cancer phenotype (0.001), strongly suggesting that the variant is a benign polymorphism found primarily in populations of East Asian origin. To our knowledge, no occurrence of c.2127T>C in individuals affected with Breast Cancer and no experimental evidence demonstrating its impact on protein function have been reported. Four clinical diagnostic laboratories have submitted clinical-significance assessments for this variant to ClinVar after 2014 without evidence for independent evaluation. Based on the evidence outlined above, the variant was classified as benign.

Illumina Laboratory Services, Illumina
Classification: Likely benign for Ataxia-telangiectasia syndrome. Last evaluated: 2018-01-12. Review status: criteria provided, single submitter. Criteria: ICSL Variant Classification Criteria 13 December 2019. Collection method: clinical testing. Allele origin: germline.
Comment: This variant was observed in the ICSL laboratory as part of a predisposition screen in an ostensibly healthy population. It had not been previously curated by ICSL or reported in the Human Gene Mutation Database (HGMD: prior to June 1st, 2018), and was therefore a candidate for classification through an automated scoring system. Utilizing variant allele frequency, disease prevalence and penetrance estimates, and inheritance mode, an automated score was calculated to assess if this variant is too frequent to cause the disease. Based on the score and internal cut-off values, a variant classified as likely benign is not then subjected to further curation. The score for this variant resulted in a classification of likely benign for this disease.

Color Diagnostics, LLC DBA Color Health
Classification: Benign for Hereditary cancer-predisposing syndrome. Last evaluated: 2015-04-14. Review status: criteria provided, single submitter. Criteria: ACMG Guidelines, 2015. Collection method: clinical testing. Allele origin: germline.

Ambry Genetics
Classification: Likely benign for Hereditary cancer-predisposing syndrome. Last evaluated: 2014-07-03. Review status: criteria provided, single submitter. Criteria: Ambry Variant Classification Scheme 2023. Collection method: clinical testing. Allele origin: germline.

GeneDx
Classification: Benign. Last evaluated: 2013-12-31. Review status: criteria provided, single submitter. Criteria: GeneDx Variant Classification (06012015). Collection method: clinical testing. Allele origin: germline. Affected: yes.
Comment: This variant is considered likely benign or benign based on one or more of the following criteria: it is a conservative change, it occurs at a poorly conserved position in the protein, it is predicted to be benign by multiple in silico algorithms, and/or has population frequency not consistent with disease.

Natera, Inc.
Classification: Likely benign for Ataxia-telangiectasia. Last evaluated: 2020-01-13. Review status: no assertion criteria provided. Collection method: clinical testing. Allele origin: germline. Not counted in ClinVar's aggregate classification.

True Health Diagnostics
Classification: Likely benign for Hereditary cancer-predisposing syndrome. Last evaluated: 2017-10-26. Review status: no assertion criteria provided. Collection method: clinical testing. Allele origin: germline. Not counted in ClinVar's aggregate classification.

Department of Pathology and Laboratory Medicine, Sinai Health System
Classification: Benign. Review status: no assertion criteria provided. Collection method: clinical testing. Allele origin: unknown. Affected: yes. Study: The Canadian Open Genetics Repository (COGR). Not counted in ClinVar's aggregate classification.
Comment: The ATM p.Ile709= variant was identified in 2 of 200 proband chromosomes (frequency: 0.01) from individuals or families with Hodgkin Disease from Canadian and Japanese pediatric patients, and was not identified in 200 control chromosomes from healthy individuals (Sipahimalani 2007, Takagi 2017). The variant was also identified in dbSNP (ID: rs56252953) as â€šÃ„Ãºwith uncertain significance, other alleleâ€šÃ„Ã¹; in ClinVar and Clinvitae databases as benign by Invitae, GeneDx, as likely benign by Ambry Genetics and as uncertain significance by Illumina Clinical Services. In addition, the variant was identified in the 1000 Genomes Project in 8 of 5000 chromosomes (frequency: 0.002). The variant was identified in control databases in 354 (1 homozygous) of 275790 chromosomes at a frequency of 0.001 in the following populations: East Asian in 351of 18624 chromosomes (freq. 0.02), South Asian in 1 of 30600 chromosomes (freq. 0.00003), other in 2 of 6418 chromosomes (freq. 0.0003), but was not seen in African, Latino, European Non-Finnish, Ashkenazi Jewish, and European Finnish populations, increasing the likelihood that this may be a low frequency benign variant in certain populations of origin (Genome Aggregation Consortium Feb 27, 2017). The variant was not identified in Cosmic, MutDB, LOVD 3.0, ATM-LOVD, databases or in the NHLBI GO Exome Sequencing Project. The p.Ile709Ile variant is not expected to have clinical significance because it does not result in a change of amino acid and is not located in a known consensus splice site. In addition, in silico or computational prediction software programs (SpliceSiteFinder, MaxEntScan, NNSPLICE, GeneSplicer, HumanSpliceFinder) do not predict a difference in splicing. In summary, based on the above information this variant meets our laboratory's criteria to be classified as benign.

Literature cited by the submitters: PubMed 12969974 (cited by Quest Diagnostics Nichols Institute San Juan Capistrano).

NM_000051.4(ATM):c.2127T>C (p.Ile709=)

Gene: ATM (ATM serine/threonine kinase; plus strand). Cytogenetic location: 11q22.3.
Variant type: single nucleotide variant.
Coding change: c.2127T>C on transcript NM_000051.4 (MANE Select); coding-DNA position 2127, T replaced by C.
Protein change: p.Ile709=; no amino-acid change (isoleucine 709 retained).
Molecular consequence: synonymous variant.
Genome position (GRCh38, 1-based): chr11:108,256,217, T>C. VCF-style: chr11-108256217-T-C. GRCh37 (hg19) VCF-style: chr11-108126944-T-C.
Other names: p.I709I:ATT>ATC; c.2127T>C, p.Ile709= (NM_001351834.2).
Identifiers: ClinVar variation 135742 (VCV000135742.35), dbSNP rs56252953, ClinGen allele CA289544.